The following is an entry in ClinVar:

NM_000179.3(MSH6):c.490C>T (p.His164Tyr)

Gene: MSH6 (mutS homolog 6; plus strand). Cytogenetic location: 2p16.3.
Variant type: single nucleotide variant.
Coding change: c.490C>T on transcript NM_000179.3 (MANE Select); coding-DNA position 490, C replaced by T.
Protein change: p.His164Tyr; replaces histidine 164 with tyrosine.
Molecular consequence: missense variant. On other transcripts: 5 prime UTR variant (1), intron variant (2).
Genome position (GRCh38, 1-based): chr2:47,795,926, C>T. VCF-style: chr2-47795926-C-T. GRCh37 (hg19) VCF-style: chr2-48023065-C-T.
Other names: c.-413C>T (NM_001281494.2); c.586C>T, p.His196Tyr (NM_001406795.1, NM_001406802.1); c.490C>T, p.His164Tyr (NM_001406796.1, NM_001406798.1, NM_001406800.1 and 5 more transcripts); c.193C>T, p.His65Tyr (NM_001406797.1, NM_001406801.1, NM_001406805.1 and 10 more transcripts); c.-36C>T (NM_001406799.1, NM_001406806.1, NM_001406807.1); c.412C>T, p.His138Tyr (NM_001406804.1); c.496C>T, p.His166Tyr (NM_001406813.1); c.-505C>T (NM_001406814.1); and 3 more; short protein forms H108Y, H196Y, H138Y, H164Y, H166Y, H65Y.
Identifiers: ClinVar variation 1744033 (VCV001744033.10), dbSNP rs568685193, ClinGen allele CA073054.

ClinVar aggregate classification (germline): Uncertain significance. Review status: criteria provided, multiple submitters, no conflicts (2 of 4 stars). 4 submissions from 4 submitters: Uncertain significance (4). Last evaluated 2025-01-22.

Conditions:
Hereditary nonpolyposis colorectal neoplasms. Identifiers: MedGen C0009405, MeSH D003123.
Hereditary cancer-predisposing syndrome. Also called: Hereditary neoplastic syndrome; Neoplastic Syndromes, Hereditary; Tumor predisposition; Hereditary Cancer Syndrome. Identifiers: Orphanet 140162, MedGen C0027672, MeSH D009386, MONDO:0015356.
Lynch syndrome. Identifiers: Orphanet 144, MedGen C4552100, MONDO:0005835. Disease mechanism: loss of function.

Allele frequency attached by ClinVar (database versions not stated): ExAC 0.00001; gnomAD 0.00001; 1000 Genomes Project 0.00020; 1000 Genomes Project 30x 0.00031.
gnomAD v4.1: 1 of 1,614,108 alleles (0.000062%); highest among the groups gnomAD compares: Admixed American, 0.0017%; no homozygotes.

Submissions (4):

Labcorp Genetics (formerly Invitae), Labcorp
Classification: Uncertain significance for Hereditary nonpolyposis colorectal neoplasms. Last evaluated: 2025-01-22. Review status: criteria provided, single submitter. Criteria: Invitae Variant Classification Sherloc (09022015). Collection method: clinical testing. Allele origin: germline.
Comment: This sequence change replaces histidine, which is basic and polar, with tyrosine, which is neutral and polar, at codon 164 of the MSH6 protein (p.His164Tyr). This variant is present in population databases (rs568685193, gnomAD 0.003%). This variant has not been reported in the literature in individuals affected with MSH6-related conditions. ClinVar contains an entry for this variant (Variation ID: 1744033). Invitae Evidence Modeling of protein sequence and biophysical properties (such as structural, functional, and spatial information, amino acid conservation, physicochemical variation, residue mobility, and thermodynamic stability) indicates that this missense variant is not expected to disrupt MSH6 protein function with a negative predictive value of 95%. In summary, the available evidence is currently insufficient to determine the role of this variant in disease. Therefore, it has been classified as a Variant of Uncertain Significance.

Ambry Genetics
Classification: Uncertain significance for Hereditary cancer-predisposing syndrome. Last evaluated: 2024-08-23. Review status: criteria provided, single submitter. Criteria: Ambry Variant Classification Scheme 2023. Collection method: clinical testing. Allele origin: germline.
Comment: The p.H164Y variant (also known as c.490C>T), located in coding exon 3 of the MSH6 gene, results from a C to T substitution at nucleotide position 490. The histidine at codon 164 is replaced by tyrosine, an amino acid with similar properties. This amino acid position is not well conserved in available vertebrate species. In addition, this alteration is predicted to be tolerated by in silico analysis. Based on the available evidence, the clinical significance of this variant remains unclear.

GeneDx
Classification: Uncertain significance. Last evaluated: 2024-06-26. Review status: criteria provided, single submitter. Criteria: GeneDx Variant Classification Process June 2021. Collection method: clinical testing. Allele origin: germline.
Comment: Not observed at significant frequency in large population cohorts (gnomAD); In silico analysis indicates that this missense variant does not alter protein structure/function; Has not been previously published as pathogenic or benign to our knowledge; This variant is associated with the following publications: (PMID: 33516942)

All of Us Research Program, National Institutes of Health
Classification: Uncertain significance for Lynch syndrome. Last evaluated: 2024-03-24. Review status: criteria provided, single submitter. Criteria: ACMG Guidelines, 2015. Collection method: clinical testing. Allele origin: germline. Inheritance: Autosomal dominant inheritance. Observed: 2 variant alleles, 2 heterozygotes.
Comment: This missense variant replaces histidine with tyrosine at codon 164 of the MSH6 protein. Computational prediction suggests that this variant may not impact protein structure and function (internally defined REVEL score threshold <= 0.5, PMID: 27666373). To our knowledge, functional studies have not been reported for this variant. This variant has not been reported in individuals affected with MSH6-related disorders in the literature. This variant has been identified in 1/246186 chromosomes in the general population by the Genome Aggregation Database (gnomAD). The available evidence is insufficient to determine the role of this variant in disease conclusively. Therefore, this variant is classified as a Variant of Uncertain Significance.

This study involves interpretation of variants in research participants for the purpose of population health screening. Participant phenotype was not available at the time of variant classification. Additional details can be found in publication PMID: 35346344, PMCID: PMC8962531